The following is an entry in ClinVar:

NM_002458.3(MUC5B):c.3846C>T (p.Gly1282=)

Gene: MUC5B (mucin 5B, oligomeric mucus/gel-forming; plus strand). Cytogenetic location: 11p15.5.
Variant type: single nucleotide variant.
Coding change: c.3846C>T on transcript NM_002458.3 (MANE Select); coding-DNA position 3846, C replaced by T.
Protein change: p.Gly1282=; no amino-acid change (glycine 1282 retained).
Molecular consequence: synonymous variant.
Genome position (GRCh38, 1-based): chr11:1,240,251, C>T. VCF-style: chr11-1240251-C-T. GRCh37 (hg19) VCF-style: chr11-1261481-C-T.
Identifiers: ClinVar variation 504734 (VCV000504734.13), dbSNP rs141821939, ClinGen allele CA5805261.

ClinVar aggregate classification (germline): Likely benign. Review status: criteria provided, multiple submitters, no conflicts (2 of 4 stars). 4 submissions from 4 submitters: Likely benign (4). Last evaluated 2026-03-01.

Allele frequency attached by ClinVar (database versions not stated): ExAC 0.00060; gnomAD 0.00063 and 0.00066; ESP Exome Variant Server 0.00070; gnomAD exomes 0.00070 and 0.00086; TOPMed 0.00078; 1000 Genomes Project 0.00100; 1000 Genomes Project 30x 0.00109.
gnomAD v4.1: 1,363 of 1,613,596 alleles (0.084%); highest among the groups gnomAD compares: Admixed American, 0.19%; 1 homozygote.

Submissions (4):

CeGaT Center for Human Genetics Tuebingen
Classification: Likely benign. Last evaluated: 2026-03-01. Review status: criteria provided, single submitter. Criteria: CeGaT Center For Human Genetics Tuebingen Variant Classification Criteria Version 2. Collection method: clinical testing. Allele origin: germline. Affected: yes. Observed: 1 variant allele.
Comment: MUC5B: BP4, BP7

Labcorp Genetics (formerly Invitae), Labcorp
Classification: Likely benign. Last evaluated: 2019-12-31. Review status: criteria provided, single submitter. Criteria: Invitae Variant Classification Sherloc (09022015). Collection method: clinical testing. Allele origin: germline.

Laboratory for Molecular Medicine, Mass General Brigham Personalized Medicine
Classification: Likely benign. Last evaluated: 2017-10-11. Review status: criteria provided, single submitter. Criteria: LMM Criteria. Collection method: clinical testing. Allele origin: germline. Observed: 1 variant allele.
Comment: p.Gly1282Gly in exon 30 of MUC5B: This variant is not expected to have clinical significance because it does not alter an amino acid residue and is not located within the splice consensus sequence. It has been identified in 0.2% (68/34384) of Latino chromosomes by the Genome Aggregation Database (gnomAD.; dbSNP rs141821939).

Breakthrough Genomics
Classification: Likely benign. Review status: criteria provided, single submitter. Criteria: ACMG Guidelines, 2015. Collection method: not provided. Allele origin: germline. Inheritance: Autosomal dominant inheritance. Affected: yes.